The following is an entry in ClinVar:

ClinVar aggregate classification (germline): Uncertain significance (1 of 4 stars; one submission).

Allele frequency attached by ClinVar (database versions not stated): gnomAD exomes below 0.00001.

Submission:

CeGaT Center for Human Genetics Tuebingen
Classification: Uncertain significance. Last evaluated: 2023-03-01. Review status: criteria provided, single submitter. Criteria: CeGaT Center For Human Genetics Tuebingen Variant Classification Criteria Version 2. Collection method: clinical testing. Allele origin: germline. Affected: yes. Observed: 1 variant allele.
Comment: ORAI1: PM2, BP4

NM_032790.4(ORAI1):c.697C>G (p.Gln233Glu)

Gene: ORAI1 (ORAI calcium release-activated calcium modulator 1; plus strand). Cytogenetic location: 12q24.31.
Variant type: single nucleotide variant.
Coding change: c.697C>G on transcript NM_032790.4 (MANE Select); coding-DNA position 697, C replaced by G.
Protein change: p.Gln233Glu; replaces glutamine 233 with glutamic acid.
Molecular consequence: missense variant. On other transcripts: non-coding transcript variant (1).
Genome position (GRCh38, 1-based): chr12:121,641,434, C>G. VCF-style: chr12-121641434-C-G. GRCh37 (hg19) VCF-style: chr12-122079340-C-G.
Other names: short protein forms Q233E.
Identifiers: ClinVar variation 2643413 (VCV002643413.24), dbSNP rs2503544282, ClinGen allele CA386984189.